The following is an entry in ClinVar:

NM_004370.6(COL12A1):c.4000+4C>T

Gene: COL12A1 (collagen type XII alpha 1 chain; minus strand). Cytogenetic location: 6q13.
Variant type: single nucleotide variant.
Coding change: c.4000+4C>T on transcript NM_004370.6 (MANE Select); 4 bases into the intron after coding-DNA position 4000, C replaced by T.
Molecular consequence: intron variant.
Genome position (GRCh38, 1-based): chr6:75,151,863, G>A on the plus strand (C>T on the coding strand, the complement: COL12A1 is on the minus strand). VCF-style: chr6-75151863-G-A. GRCh37 (hg19) VCF-style: chr6-75861579-G-A.
Other names: c.508+4C>T (NM_080645.3).
Identifiers: ClinVar variation 1355404 (VCV001355404.6), dbSNP rs375772555, ClinGen allele CA3893573.

ClinVar aggregate classification (germline): Uncertain significance (1 of 4 stars; one submission).

Conditions:
Ullrich congenital muscular dystrophy 2 (UCMD2). Identifiers: Orphanet 75840, MedGen C4225314, MONDO:0014654, OMIM 616470.
Bethlem myopathy 2 (BTHLM2). Identifiers: Orphanet 536516, Orphanet 610, MedGen C4225313, MONDO:0034022, OMIM 616471.

Allele frequency attached by ClinVar (database versions not stated): 1000 Genomes Project 30x 0.00016; 1000 Genomes Project 0.00020.

Submission:

Labcorp Genetics (formerly Invitae), Labcorp
Classification: Uncertain significance for Bethlem myopathy 2; Ullrich congenital muscular dystrophy 2. Last evaluated: 2026-01-02. Review status: criteria provided, single submitter. Criteria: Invitae Variant Classification Sherloc (09022015). Collection method: clinical testing. Allele origin: germline.
Comment: This sequence change falls in intron 20 of the COL12A1 gene. It does not directly change the encoded amino acid sequence of the COL12A1 protein. It affects a nucleotide within the consensus splice site. This variant is present in population databases (rs375772555, gnomAD 0.01%). This variant has not been reported in the literature in individuals affected with COL12A1-related conditions. ClinVar contains an entry for this variant (Variation ID: 1355404). Variants that disrupt the consensus splice site are a relatively common cause of aberrant splicing (PMID: 17576681, 9536098). Algorithms developed to predict the effect of sequence changes on RNA splicing suggest that this variant is not likely to affect RNA splicing. In summary, the available evidence is currently insufficient to determine the role of this variant in disease. Therefore, it has been classified as a Variant of Uncertain Significance.

Literature cited by the submitters: PubMed 17576681; PubMed 9536098.